The following is an entry in ClinVar:

NM_001127715.4(STXBP5):c.2262G>A (p.Met754Ile)

Gene: STXBP5 (syntaxin binding protein 5; plus strand). Cytogenetic location: 6q24.3.
Variant type: single nucleotide variant.
Coding change: c.2262G>A on transcript NM_001127715.4 (MANE Select); coding-DNA position 2262, G replaced by A.
Protein change: p.Met754Ile; replaces methionine 754 with isoleucine.
Molecular consequence: missense variant.
Genome position (GRCh38, 1-based): chr6:147,353,330, G>A. VCF-style: chr6-147353330-G-A. GRCh37 (hg19) VCF-style: chr6-147674466-G-A.
Other names: c.2214G>A, p.Met738Ile (NM_001394409.1); c.2154G>A, p.Met718Ile (NM_139244.6); short protein forms M718I, M754I, M738I.
Identifiers: ClinVar variation 778266 (VCV000778266.5), dbSNP rs116277973, ClinGen allele CA4039241.

ClinVar aggregate classification (germline): Benign. Review status: criteria provided, single submitter (1 of 4 stars). 2 submissions from 2 submitters: Benign (1). 1 of the submissions does not count toward it. Last evaluated 2018-01-08.

Conditions:
STXBP5-related disorder. Also called: STXBP5-related condition.

Allele frequency attached by ClinVar (database versions not stated): gnomAD exomes 0.00069 and 0.00186; ExAC 0.00356; gnomAD 0.00838 and 0.00893; ESP Exome Variant Server 0.00869; TOPMed 0.00906; 1000 Genomes Project 0.01058; 1000 Genomes Project 30x 0.01280.
gnomAD v4.1: 2,297 of 1,579,234 alleles (0.15%); highest among the groups gnomAD compares: African/African-American, 2.8%; 36 homozygotes.

Submissions (2):

Labcorp Genetics (formerly Invitae), Labcorp
Classification: Benign. Last evaluated: 2018-01-08. Review status: criteria provided, single submitter. Criteria: Invitae Variant Classification Sherloc (09022015). Collection method: clinical testing. Allele origin: germline.

PreventionGenetics, part of Exact Sciences
Classification: Benign for STXBP5-related condition. Last evaluated: 2022-04-06. Review status: no assertion criteria provided. Collection method: clinical testing. Allele origin: germline. Not counted in ClinVar's aggregate classification.
Comment: This variant is classified as benign based on ACMG/AMP sequence variant interpretation guidelines (Richards et al. 2015 PMID: 25741868, with internal and published modifications).